The following is an entry in ClinVar:

NM_014975.3(MAST1):c.1162G>A (p.Val388Ile)

Gene: MAST1 (microtubule associated serine/threonine kinase 1; plus strand). Cytogenetic location: 19p13.13.
Variant type: single nucleotide variant.
Coding change: c.1162G>A on transcript NM_014975.3 (MANE Select); coding-DNA position 1162, G replaced by A.
Protein change: p.Val388Ile; replaces valine 388 with isoleucine.
Molecular consequence: missense variant.
Genome position (GRCh38, 1-based): chr19:12,858,535, G>A. VCF-style: chr19-12858535-G-A. GRCh37 (hg19) VCF-style: chr19-12969349-G-A.
Other names: short protein forms V388I.
Identifiers: ClinVar variation 3373315 (VCV003373315.1).

ClinVar aggregate classification (germline): Uncertain significance (1 of 4 stars; one submission).

gnomAD v4.1: 1 of 1,614,172 alleles (0.000062%); highest among the groups gnomAD compares: Non-Finnish European, 0.000085%; no homozygotes.

Submission:

GeneDx
Classification: Uncertain significance. Last evaluated: 2024-05-02. Review status: criteria provided, single submitter. Criteria: GeneDx Variant Classification Process June 2021. Collection method: clinical testing. Allele origin: germline. Affected: yes.
Comment: Not observed at significant frequency in large population cohorts (gnomAD); In silico analysis indicates that this missense variant does not alter protein structure/function; Has not been previously published as pathogenic or benign to our knowledge